The following is an entry in ClinVar:

NC_000003.11:g.(?_45867806)_(45877296_?)del

Gene: LZTFL1 (leucine zipper transcription factor like 1; minus strand). Cytogenetic location: 3p21.31.
Variant type: Deletion.
Identifiers: ClinVar variation 2426538 (VCV002426538.4).

ClinVar aggregate classification (germline): Pathogenic (1 of 4 stars; one submission).

Submission:

Labcorp Genetics (formerly Invitae), Labcorp
Classification: Pathogenic. Last evaluated: 2022-02-04. Review status: criteria provided, single submitter. Criteria: Invitae Variant Classification Sherloc (09022015). Collection method: clinical testing. Allele origin: germline.
Comment: For these reasons, this variant has been classified as Pathogenic. This variant disrupts a region of the LZTFL1 protein in which other variant(s) (p.Leu87Pro) have been determined to be pathogenic (PMID: 23692385). This suggests that this is a clinically significant region of the protein, and that variants that disrupt it are likely to be disease-causing. This variant has not been reported in the literature in individuals affected with LZTFL1-related conditions. This variant is a gross deletion of the genomic region encompassing exon(s) 3-10 of the LZTFL1 gene, which includes the termination codon. This deletion extends beyond the assayed region for this gene and therefore may encompass additional genes. While this deletion is not anticipated to lead to nonsense mediated decay, it is expected to alter mRNA translation or result in a truncated protein product.

Literature cited by the submitters: PubMed 23692385.